The following is an entry in ClinVar:

ClinVar aggregate classification (germline): Uncertain significance. Review status: criteria provided, multiple submitters, no conflicts (2 of 4 stars). 3 submissions from 3 submitters: Uncertain significance (3). Last evaluated 2025-09-25.

Conditions:
Inborn genetic diseases. Identifiers: MedGen C0950123, MeSH D030342.
Congenital heart disease (CHD). Identifiers: MedGen C0152021, MONDO:0005453. Disease mechanism: unknown.

Allele frequency attached by ClinVar (database versions not stated): ExAC 0.00002; gnomAD exomes 0.00003; gnomAD 0.00005; ESP Exome Variant Server 0.00015.
gnomAD v4.1: 54 of 1,613,534 alleles (0.0033%); highest among the groups gnomAD compares: Non-Finnish European, 0.0043%; no homozygotes.

Submissions (3):

Labcorp Genetics (formerly Invitae), Labcorp
Classification: Uncertain significance. Last evaluated: 2025-09-25. Review status: criteria provided, single submitter. Criteria: Invitae Variant Classification Sherloc (09022015). Collection method: clinical testing. Allele origin: germline.
Comment: This sequence change replaces valine, which is neutral and non-polar, with methionine, which is neutral and non-polar, at codon 2136 of the DCHS1 protein (p.Val2136Met). This variant is present in population databases (rs137996181, gnomAD 0.006%). This variant has not been reported in the literature in individuals affected with DCHS1-related conditions. ClinVar contains an entry for this variant (Variation ID: 2419246). Invitae Evidence Modeling of protein sequence and biophysical properties (such as structural, functional, and spatial information, amino acid conservation, physicochemical variation, residue mobility, and thermodynamic stability) indicates that this missense variant is not expected to disrupt DCHS1 protein function with a negative predictive value of 80%. In summary, the available evidence is currently insufficient to determine the role of this variant in disease. Therefore, it has been classified as a Variant of Uncertain Significance.

Ambry Genetics
Classification: Uncertain significance for Inborn genetic diseases. Last evaluated: 2024-08-21. Review status: criteria provided, single submitter. Criteria: Ambry Variant Classification Scheme 2023. Collection method: clinical testing. Allele origin: germline.

Department of Pathology and Laboratory Medicine, Sinai Health System
Classification: Uncertain significance for congenital heart disease. Last evaluated: 2023-05-06. Review status: criteria provided, single submitter. Criteria: ACMG Guidelines, 2015. Collection method: research. Allele origin: germline.

NM_003737.4(DCHS1):c.6406G>A (p.Val2136Met)

Gene: DCHS1 (dachsous cadherin-related 1; minus strand). Cytogenetic location: 11p15.4.
Variant type: single nucleotide variant.
Coding change: c.6406G>A on transcript NM_003737.4 (MANE Select); coding-DNA position 6406, G replaced by A.
Protein change: p.Val2136Met; replaces valine 2136 with methionine.
Molecular consequence: missense variant.
Genome position (GRCh38, 1-based): chr11:6,626,339, C>T on the plus strand (G>A on the coding strand, the complement: DCHS1 is on the minus strand). VCF-style: chr11-6626339-C-T. GRCh37 (hg19) VCF-style: chr11-6647570-C-T.
Other names: c.6406G>A (NM_003737.2); short protein forms V2136M.
Identifiers: ClinVar variation 2419246 (VCV002419246.8), dbSNP rs137996181, ClinGen allele CA5859864.